The following is an entry in ClinVar:

ClinVar aggregate classification (germline): Uncertain significance. Review status: criteria provided, multiple submitters, no conflicts (2 of 4 stars). 2 submissions from 2 submitters: Uncertain significance (2). Last evaluated 2024-12-30.

Conditions:
Inborn genetic diseases. Identifiers: MedGen C0950123, MeSH D030342.

Submissions (2):

Ambry Genetics
Classification: Uncertain significance for Inborn genetic diseases. Last evaluated: 2024-12-30. Review status: criteria provided, single submitter. Criteria: Ambry Variant Classification Scheme 2023. Collection method: clinical testing. Allele origin: germline.

Labcorp Genetics (formerly Invitae), Labcorp
Classification: Uncertain significance. Last evaluated: 2020-08-17. Review status: criteria provided, single submitter. Criteria: Invitae Variant Classification Sherloc (09022015). Collection method: clinical testing. Allele origin: germline.
Comment: This sequence change replaces serine with phenylalanine at codon 2085 of the SZT2 protein (p.Ser2085Phe). The serine residue is highly conserved and there is a large physicochemical difference between serine and phenylalanine. This variant is not present in population databases (ExAC no frequency). This variant has not been reported in the literature in individuals with SZT2-related conditions. Algorithms developed to predict the effect of missense changes on protein structure and function are either unavailable or do not agree on the potential impact of this missense change (SIFT: "Deleterious"; PolyPhen-2: "Benign"; Align-GVGD: "Class C15"). In summary, the available evidence is currently insufficient to determine the role of this variant in disease. Therefore, it has been classified as a Variant of Uncertain Significance.

NM_001365999.1(SZT2):c.6425C>T (p.Ser2142Phe)

Gene: SZT2 (SZT2 subunit of KICSTOR complex; plus strand). Cytogenetic location: 1p34.2.
Variant type: single nucleotide variant.
Coding change: c.6425C>T on transcript NM_001365999.1 (MANE Select); coding-DNA position 6425, C replaced by T.
Protein change: p.Ser2142Phe; replaces serine 2142 with phenylalanine.
Molecular consequence: missense variant.
Genome position (GRCh38, 1-based): chr1:43,437,819, C>T. VCF-style: chr1-43437819-C-T. GRCh37 (hg19) VCF-style: chr1-43903490-C-T.
Other names: c.6254C>T, p.Ser2085Phe (NM_015284.4); c.6254C>T (NM_015284.3); short protein forms S2142F, S2085F.
Identifiers: ClinVar variation 1039792 (VCV001039792.9), dbSNP rs1654627166, ClinGen allele CA340029587.